The following is an entry in ClinVar:

NM_000023.4(SGCA):c.559del (p.Leu187fs)

Gene: SGCA (sarcoglycan alpha; plus strand). Cytogenetic location: 17q21.33.
Variant type: Deletion.
Coding change: c.559del on transcript NM_000023.4 (MANE Select); coding-DNA position 559, one base deleted (C; older notation c.559delC).
Protein change: p.Leu187fs; shifts the reading frame from leucine 187.
Molecular consequence: frameshift variant. On other transcripts: non-coding transcript variant (1).
Genome position (GRCh38, 1-based): chr17:50,168,547, C deleted; the last of 5 consecutive C bases (chr17:50,168,543-50,168,547); deleting any one gives the same sequence. VCF-style (leftmost placement, unchanged base first): chr17-50168542-TC-T. GRCh37 (hg19) VCF-style: chr17-48245903-TC-T.
Other names: c.559del, p.Leu187fs (NM_001135697.3); short protein forms L187fs.
Identifiers: ClinVar variation 370946 (VCV000370946.5), dbSNP rs1057516888, ClinGen allele CA16041851.

ClinVar aggregate classification (germline): Pathogenic/Likely pathogenic. Review status: criteria provided, multiple submitters, no conflicts (2 of 4 stars). 3 submissions from 3 submitters: Pathogenic (1); Likely pathogenic (1). 1 of the submissions does not count toward it. Last evaluated 2025-06-22.

Conditions:
Autosomal recessive limb-girdle muscular dystrophy type 2D (LGMDR3). Also called: ADHALINOPATHY, PRIMARY; MUSCULAR DYSTROPHY, LIMB-GIRDLE, AUTOSOMAL RECESSIVE 3; DUCHENNE-LIKE AUTOSOMAL RECESSIVE MUSCULAR DYSTROPHY, TYPE 2. Identifiers: Orphanet 62, MedGen C2936332, MONDO:0011968, OMIM 608099. Disease mechanism: Affects gamma-sarcoglycan and also disrupts the integrity of the entire sarcoglycan complex..

Submissions (3):

Labcorp Genetics (formerly Invitae), Labcorp
Classification: Pathogenic for Autosomal recessive limb-girdle muscular dystrophy type 2D. Last evaluated: 2025-06-22. Review status: criteria provided, single submitter. Criteria: Invitae Variant Classification Sherloc (09022015). Collection method: clinical testing. Allele origin: germline.
Comment: This sequence change creates a premature translational stop signal (p.Leu187Phefs*24) in the SGCA gene. It is expected to result in an absent or disrupted protein product. Loss-of-function variants in SGCA are known to be pathogenic (PMID: 9192266). This variant is not present in population databases (gnomAD no frequency). This variant has not been reported in the literature in individuals affected with SGCA-related conditions. ClinVar contains an entry for this variant (Variation ID: 370946). For these reasons, this variant has been classified as Pathogenic.

Baylor Genetics
Classification: Likely pathogenic for Autosomal recessive limb-girdle muscular dystrophy type 2D. Last evaluated: 2024-01-03. Review status: criteria provided, single submitter. Criteria: ACMG Guidelines, 2015. Collection method: clinical testing. Allele origin: unknown.

Counsyl
Classification: Likely pathogenic for Autosomal recessive limb-girdle muscular dystrophy type 2D. Last evaluated: 2016-05-19. Review status: no assertion criteria provided. Collection method: clinical testing. Allele origin: unknown. Not counted in ClinVar's aggregate classification.

Literature cited by the submitters: PubMed 9192266 (cited by Labcorp Genetics (formerly Invitae), Labcorp).